The following is an entry in ClinVar:

ClinVar aggregate classification (germline): Uncertain significance. Review status: criteria provided, multiple submitters, no conflicts (2 of 4 stars). 2 submissions from 2 submitters: Uncertain significance (2). Last evaluated 2022-05-13.

Conditions:
Beckwith-Wiedemann syndrome (BWS). Also called: EMG SYNDROME; Exomphalos macroglossia gigantism syndrome. Identifiers: Orphanet 116, MedGen C0004903, MONDO:0007534, OMIM 130650.
IMAGe syndrome. Also called: Intrauterine growth retardation, metaphyseal dysplasia, adrenal hypoplasia congenita, and genital anomalies; Intrauterine Growth Restriction, Metaphyseal Dysplasia, Adrenal Hypoplasia Congenita, and Genital Anomalies. Identifiers: Orphanet 85173, MedGen C1846009, MONDO:0013873, OMIM 614732.

Submissions (2):

Fulgent Genetics
Classification: Uncertain significance for Beckwith-Wiedemann syndrome; IMAGe syndrome. Last evaluated: 2022-05-13. Review status: criteria provided, single submitter. Criteria: ACMG Guidelines, 2015. Collection method: clinical testing. Allele origin: unknown.

Labcorp Genetics (formerly Invitae), Labcorp
Classification: Uncertain significance for Beckwith-Wiedemann syndrome. Last evaluated: 2020-11-03. Review status: criteria provided, single submitter. Criteria: Invitae Variant Classification Sherloc (09022015). Collection method: clinical testing. Allele origin: germline.
Comment: Algorithms developed to predict the effect of missense changes on protein structure and function are either unavailable or do not agree on the potential impact of this missense change (SIFT: "Tolerated"; PolyPhen-2: "Not Available"; Align-GVGD: "Class C0"). In summary, the available evidence is currently insufficient to determine the role of this variant in disease. Therefore, it has been classified as a Variant of Uncertain Significance. This variant has not been reported in the literature in individuals with CDKN1C-related conditions. This variant is not present in population databases (ExAC no frequency). This sequence change replaces proline with serine at codon 250 of the CDKN1C protein (p.Pro250Ser). The proline residue is moderately conserved and there is a moderate physicochemical difference between proline and serine.

NM_001122630.2(CDKN1C):c.715C>T (p.Pro239Ser)

Gene: CDKN1C (cyclin dependent kinase inhibitor 1C; minus strand). Cytogenetic location: 11p15.4.
Variant type: single nucleotide variant.
Coding change: c.715C>T on transcript NM_001122630.2 (MANE Select); coding-DNA position 715, C replaced by T.
Protein change: p.Pro239Ser; replaces proline 239 with serine.
Molecular consequence: missense variant. On other transcripts: intron variant (1).
Genome position (GRCh38, 1-based): chr11:2,884,742, G>A on the plus strand (C>T on the coding strand, the complement: CDKN1C is on the minus strand). VCF-style: chr11-2884742-G-A. GRCh37 (hg19) VCF-style: chr11-2905972-G-A.
Other names: c.748C>T, p.Pro250Ser (NM_000076.2, NM_001362474.2); c.715C>T, p.Pro239Ser (NM_001122631.2); c.255+460C>T (NM_001362475.2); short protein forms P250S, P239S.
Identifiers: ClinVar variation 1367993 (VCV001367993.9), dbSNP rs2133782321, ClinGen allele CA379145655.